The following is an entry in ClinVar:

ClinVar aggregate classification (germline): Pathogenic (1 of 4 stars; one submission).

Submission:

Labcorp Genetics (formerly Invitae), Labcorp
Classification: Pathogenic. Last evaluated: 2021-03-24. Review status: criteria provided, single submitter. Criteria: Invitae Variant Classification Sherloc (09022015). Collection method: clinical testing. Allele origin: germline.
Comment: This sequence change creates a premature translational stop signal (p.Gln187Lysfs*57) in the PPP2CA gene. It is expected to result in an absent or disrupted protein product. Loss-of-function variants in PPP2CA are known to be pathogenic (PMID: 30595372). This variant is not present in population databases (ExAC no frequency). This variant has not been reported in the literature in individuals with PPP2CA-related conditions. For these reasons, this variant has been classified as Pathogenic.

Literature cited by the submitters: PubMed 30595372.

NM_002715.4(PPP2CA):c.558del (p.Gln187fs)

Gene: PPP2CA (protein phosphatase 2 catalytic subunit alpha; minus strand). Cytogenetic location: 5q31.1.
Variant type: Deletion.
Coding change: c.558del on transcript NM_002715.4 (MANE Select); coding-DNA position 558, one base deleted (A; older notation c.558delA).
Protein change: p.Gln187fs; shifts the reading frame from glutamine 187.
Molecular consequence: frameshift variant. On other transcripts: non-coding transcript variant (1).
Genome position (GRCh38, 1-based): chr5:134,201,003, T deleted on the plus strand (A on the coding strand, the reverse complement: PPP2CA is on the minus strand). VCF-style (leftmost placement, unchanged base first): chr5-134201002-GT-G. GRCh37 (hg19) VCF-style: chr5-133536693-GT-G.
Other names: c.363del, p.Gln122fs (NM_001355019.2); short protein forms Q122fs, Q187fs.
Identifiers: ClinVar variation 1451881 (VCV001451881.6), dbSNP rs2149383148, ClinGen allele CA2573139182.